The following is an entry in ClinVar:

NM_058179.4(PSAT1):c.926A>G (p.Asn309Ser)

Gene: PSAT1 (phosphoserine aminotransferase 1; plus strand). Cytogenetic location: 9q21.2.
Variant type: single nucleotide variant.
Coding change: c.926A>G on transcript NM_058179.4 (MANE Select); coding-DNA position 926, A replaced by G.
Protein change: p.Asn309Ser; replaces asparagine 309 with serine.
Molecular consequence: missense variant. On other transcripts: intron variant (1).
Genome position (GRCh38, 1-based): chr9:78,328,107, A>G. VCF-style: chr9-78328107-A-G. GRCh37 (hg19) VCF-style: chr9-80943023-A-G.
Other names: c.870-874A>G (NM_021154.5); short protein forms N309S.
Identifiers: ClinVar variation 976909 (VCV000976909.4), dbSNP rs752613705, ClinGen allele CA5095769.
Genomic context (GRCh38, chr9:78,328,107, plus strand): 5'-TCAGTTGTCCAGTGGAGCCCCAAAATAGAAGCAAGATGAATATTCCATTCCGCATTGGCA[A>G]TGCCAAAGGAGATGATGCTTTAGAAAAAAGATTTCTTGATAAAGCTCTTGAACTCAATAT-3'
Protein context (NP_478059.1, residues 299-319): SKMNIPFRIG[Asn309Ser]AKGDDALEKR

ClinVar aggregate classification (germline): Uncertain significance. Review status: criteria provided, single submitter (1 of 4 stars). 2 submissions from 2 submitters: Uncertain significance (1). 1 of the submissions does not count toward it. Last evaluated 2025-06-25.

Conditions:
Neu-Laxova syndrome 2. Identifiers: Orphanet 2671, Orphanet 583602, MedGen C4015019, MONDO:0014466, OMIM 616038.

Allele frequency attached by ClinVar (database versions not stated): gnomAD exomes 0.00003 and 0.00001; ExAC 0.00003.
gnomAD v4.1: 9 of 1,611,762 alleles (0.00056%); highest among the groups gnomAD compares: South Asian, 0.0088%; no homozygotes.

Submissions (2):

Labcorp Genetics (formerly Invitae), Labcorp
Classification: Uncertain significance for Neu-Laxova syndrome 2. Last evaluated: 2025-06-25. Review status: criteria provided, single submitter. Criteria: Invitae Variant Classification Sherloc (09022015). Collection method: clinical testing. Allele origin: germline.
Comment: This sequence change replaces asparagine, which is neutral and polar, with serine, which is neutral and polar, at codon 309 of the PSAT1 protein (p.Asn309Ser). This variant is present in population databases (rs752613705, gnomAD 0.02%). This variant has not been reported in the literature in individuals affected with PSAT1-related conditions. ClinVar contains an entry for this variant (Variation ID: 976909). An algorithm developed to predict the effect of missense changes on protein structure and function outputs the following: PolyPhen-2: "Benign". The serine amino acid residue is found in multiple mammalian species, which suggests that this missense change does not adversely affect protein function. Experimental studies are conflicting or provide insufficient evidence to determine the effect of this variant on PSAT1 function (PMID: 32077105). In summary, the available evidence is currently insufficient to determine the role of this variant in disease. Therefore, it has been classified as a Variant of Uncertain Significance.

Dudley Research Group, Pacific Northwest Research Institute
No classification provided. Review status: no classification provided. Collection method: research, in vivo. Allele origin: unknown, not applicable. Functional consequence: functionally_normal. Not counted in ClinVar's aggregate classification.

Literature cited by the submitters: PubMed 32077105 (cited by Labcorp Genetics (formerly Invitae), Labcorp).